The following is an entry in ClinVar:

ClinVar aggregate classification (germline): Pathogenic (1 of 4 stars; one submission).

gnomAD v4.1: 2 of 1,613,862 alleles (0.00012%); highest among the groups gnomAD compares: Admixed American, 0.0033%; no homozygotes.

Submission:

Labcorp Genetics (formerly Invitae), Labcorp
Classification: Pathogenic. Last evaluated: 2025-06-12. Review status: criteria provided, single submitter. Criteria: Invitae Variant Classification Sherloc (09022015). Collection method: clinical testing. Allele origin: germline.
Comment: This sequence change creates a premature translational stop signal (p.Gln324*) in the ARSG gene. It is expected to result in an absent or disrupted protein product. Loss-of-function variants in ARSG are known to be pathogenic (PMID: 26975023, 34223797). This variant is present in population databases (no rsID available, gnomAD 0.006%). This variant has not been reported in the literature in individuals affected with ARSG-related conditions. For these reasons, this variant has been classified as Pathogenic.

Literature cited by the submitters: PubMed 26975023; PubMed 34223797.

NM_001267727.2(ARSG):c.970C>T (p.Gln324Ter)

Gene: ARSG (arylsulfatase G; plus strand). Cytogenetic location: 17q24.2.
Variant type: single nucleotide variant.
Coding change: c.970C>T on transcript NM_001267727.2 (MANE Select); coding-DNA position 970, C replaced by T.
Protein change: p.Gln324Ter; replaces glutamine 324 with a stop codon.
Molecular consequence: nonsense.
Genome position (GRCh38, 1-based): chr17:68,370,512, C>T. VCF-style: chr17-68370512-C-T. GRCh37 (hg19) VCF-style: chr17-66366653-C-T.
Other names: c.970C>T, p.Gln324Ter (NM_001352899.2, NM_001352900.2, NM_001352901.2 and 3 more transcripts); c.967C>T, p.Gln323Ter (NM_001352903.2, NM_001352904.2, NM_001352905.2 and 2 more transcripts); c.922C>T, p.Gln308Ter (NM_001352909.2); short protein forms Q308*, Q323*, Q324*.
Identifiers: ClinVar variation 4805754 (VCV004805754.1).